The following is an entry in ClinVar:

ClinVar aggregate classification (germline): Uncertain significance (1 of 4 stars; one submission).

Allele frequency attached by ClinVar (database versions not stated): gnomAD exomes below 0.00001; ExAC 0.00001; gnomAD 0.00001; TOPMed 0.00002; ESP Exome Variant Server 0.00008.
gnomAD v4.1: 3 of 1,611,734 alleles (0.00019%); highest among the groups gnomAD compares: African/African-American, 0.0027%; no homozygotes.

Submission:

Labcorp Genetics (formerly Invitae), Labcorp
Classification: Uncertain significance. Last evaluated: 2024-02-24. Review status: criteria provided, single submitter. Criteria: Invitae Variant Classification Sherloc (09022015). Collection method: clinical testing. Allele origin: germline.
Comment: This sequence change replaces serine, which is neutral and polar, with glycine, which is neutral and non-polar, at codon 1454 of the PCDH15 protein (p.Ser1454Gly). This variant is present in population databases (rs144616228, gnomAD 0.007%). This variant has not been reported in the literature in individuals affected with PCDH15-related conditions. ClinVar contains an entry for this variant (Variation ID: 1491805). Advanced modeling of protein sequence and biophysical properties (such as structural, functional, and spatial information, amino acid conservation, physicochemical variation, residue mobility, and thermodynamic stability) performed at Invitae indicates that this missense variant is not expected to disrupt PCDH15 protein function with a negative predictive value of 80%. In summary, the available evidence is currently insufficient to determine the role of this variant in disease. Therefore, it has been classified as a Variant of Uncertain Significance.

NM_001384140.1(PCDH15):c.4360A>G (p.Ser1454Gly)

Gene: PCDH15 (protocadherin related 15; minus strand). Cytogenetic location: 10q21.1.
Variant type: single nucleotide variant.
Coding change: c.4360A>G on transcript NM_001384140.1 (MANE Select); coding-DNA position 4360, A replaced by G.
Protein change: p.Ser1454Gly; replaces serine 1454 with glycine.
Molecular consequence: missense variant.
Genome position (GRCh38, 1-based): chr10:53,827,400, T>C on the plus strand (A>G on the coding strand, the complement: PCDH15 is on the minus strand). VCF-style: chr10-53827400-T-C. GRCh37 (hg19) VCF-style: chr10-55587160-T-C.
Other names: c.4375A>G, p.Ser1459Gly (NM_001142763.2, NM_001142771.2); c.4360A>G, p.Ser1454Gly (NM_001142764.2, NM_001142770.3, NM_001142772.2 and 3 more transcripts); c.4147A>G, p.Ser1383Gly (NM_001142765.2); c.4351A>G, p.Ser1451Gly (NM_001142766.2); c.4240A>G, p.Ser1414Gly (NM_001142767.2); c.4294A>G, p.Ser1432Gly (NM_001142768.2, NM_001354404.2); c.4396A>G, p.Ser1466Gly (NM_001142769.4); c.4285A>G, p.Ser1429Gly (NM_001142773.2); and 1 more; short protein forms S1414G, S1429G, S1454G, S1459G, S1461G, S1466G, S1383G, S1432G.
Identifiers: ClinVar variation 1491805 (VCV001491805.6), dbSNP rs144616228, ClinGen allele CA5505351.